The following is an entry in ClinVar:

ClinVar aggregate classification (germline): Likely pathogenic (1 of 4 stars; one submission).

Conditions:
Syndromic X-linked intellectual disability 94 (MRXSW). Also called: MENTAL RETARDATION, X-LINKED, SYNDROMIC 29; X-linked intellectual disability due to GRIA3 anomalies. Identifiers: Orphanet 364028, MedGen C2678051, MONDO:0010402, OMIM 300699.

Submission:

Institute of Human Genetics, FAU Erlangen, Friedrich-Alexander-Universität Erlangen-Nürnberg
Classification: Likely pathogenic for Syndromic X-linked intellectual disability 94. Last evaluated: 2024-04-18. Review status: criteria provided, single submitter. Criteria: Hauer et al. (Genet Med. 2018). Collection method: clinical testing. Allele origin: germline. Inheritance: X-linked recessive inheritance. Affected: yes. Observed: 2 variant alleles.
Comment: This variant has been identified by standard clinical testing. Selected ACMG criteria: Likely pathogenic (I):PM2;PVS1

NM_007325.5(GRIA3):c.1170_1173del (p.Ser391fs)

Gene: GRIA3 (glutamate ionotropic receptor AMPA type subunit 3; plus strand). Cytogenetic location: Xq25.
Variant type: Deletion.
Coding change: c.1170_1173del on transcript NM_007325.5 (MANE Select); coding-DNA positions 1170 to 1173, 4 bases deleted (CAGT; older notation c.1170_1173delCAGT).
Protein change: p.Ser391fs; shifts the reading frame from serine 391.
Molecular consequence: frameshift variant.
Genome position (GRCh38, 1-based): chrX:123,403,083-123,403,086, CAGT deleted; deleting any 4 consecutive bases within chrX:123,403,080-123,403,086 gives the same sequence; the c. name uses the placement nearest the transcript's 3' end. VCF-style (leftmost placement, unchanged base first): chrX-123403079-AAGTC-A. GRCh37 (hg19) VCF-style: chrX-122536930-AAGTC-A.
Other names: c.1170_1173del, p.Ser391fs (NM_000828.5); short protein forms S391fs.
Identifiers: ClinVar variation 3075673 (VCV003075673.1), dbSNP rs2521167101, ClinGen allele CA2825002926.
Genomic context (GRCh38, chrX:123,403,079, plus strand): 5'-ATATTCAATTTGACACTTATGGACGTAGGACAAATTATACCATCGATGTGTATGAAATGA[AAGTC>A]AGTGGCTCTCGAAAAGTAAGTAACCAAAACAGACATTTAAAGAAAAGGACTCTTGAAAGA-3'